The following is an entry in ClinVar:

NM_004991.4(MECOM):c.1709T>C (p.Phe570Ser)

Gene: MECOM (MDS1 and EVI1 complex locus; minus strand). Cytogenetic location: 3q26.2.
Variant type: single nucleotide variant.
Coding change: c.1709T>C on transcript NM_004991.4 (MANE Select); coding-DNA position 1709, T replaced by C.
Protein change: p.Phe570Ser; replaces phenylalanine 570 with serine.
Molecular consequence: missense variant. On other transcripts: intron variant (2).
Genome position (GRCh38, 1-based): chr3:169,116,163, A>G on the plus strand (T>C on the coding strand, the complement: MECOM is on the minus strand). VCF-style: chr3-169116163-A-G. GRCh37 (hg19) VCF-style: chr3-168833951-A-G.
Other names: c.1340T>C, p.Phe447Ser (NM_001105077.4); c.1145T>C, p.Phe382Ser (NM_001105078.4, NM_001164000.2, NM_001205194.2 and 4 more transcripts); c.1148T>C, p.Phe383Ser (NM_001163999.2, NM_001366467.2, NM_001366468.2 and 1 more transcripts); c.1709T>C, p.Phe570Ser (NM_001366466.2); c.1133-396T>C (NM_001366473.2); c.569-396T>C (NM_001366474.2); short protein forms F382S, F383S, F447S, F570S.
Identifiers: ClinVar variation 5024215 (VCV005024215.1).

ClinVar aggregate classification (germline): Uncertain significance (1 of 4 stars; one submission).

Conditions:
Inborn genetic diseases. Identifiers: MedGen C0950123, MeSH D030342.

Submission:

Ambry Genetics
Classification: Uncertain significance for Inborn genetic diseases. Last evaluated: 2026-09-06. Review status: criteria provided, single submitter. Criteria: Ambry Variant Classification Scheme 2023. Collection method: clinical testing. Allele origin: germline.
Comment: The p.F570S variant (also known as c.1709T>C), located in coding exon 8 of the MECOM gene, results from a T to C substitution at nucleotide position 1709. The phenylalanine at codon 570 is replaced by serine, an amino acid with highly dissimilar properties. This amino acid position is conserved. In addition, this alteration is predicted to be tolerated by in silico analysis. Based on the available evidence, the clinical significance of this variant remains unclear.